The following is an entry in ClinVar:

ClinVar aggregate classification (germline): Uncertain significance (1 of 4 stars; one submission).

Conditions:
Left ventricular noncompaction 1 (LVNC1). Also called: LEFT VENTRICULAR NONCOMPACTION 1 WITH OR WITHOUT CONGENITAL HEART DEFECTS. Identifiers: Orphanet 54260, MedGen C1858725, MONDO:0011403, OMIM 604169.

Allele frequency attached by ClinVar (database versions not stated): gnomAD exomes below 0.00001.
gnomAD v4.1: 1 of 1,613,594 alleles (0.000062%); no homozygotes.

Submission:

Labcorp Genetics (formerly Invitae), Labcorp
Classification: Uncertain significance for Left ventricular noncompaction 1. Last evaluated: 2022-08-20. Review status: criteria provided, single submitter. Criteria: Invitae Variant Classification Sherloc (09022015). Collection method: clinical testing. Allele origin: germline.
Comment: In summary, the available evidence is currently insufficient to determine the role of this variant in disease. Therefore, it has been classified as a Variant of Uncertain Significance. Algorithms developed to predict the effect of missense changes on protein structure and function are either unavailable or do not agree on the potential impact of this missense change (SIFT: "Tolerated"; PolyPhen-2: "Probably Damaging"; Align-GVGD: "Class C0"). This variant has not been reported in the literature in individuals affected with DTNA-related conditions. This variant is not present in population databases (gnomAD no frequency). This sequence change replaces lysine, which is basic and polar, with arginine, which is basic and polar, at codon 202 of the DTNA protein (p.Lys202Arg).

NM_001386795.1(DTNA):c.605A>G (p.Lys202Arg)

Gene: DTNA (dystrobrevin alpha; plus strand). Cytogenetic location: 18q12.1.
Variant type: single nucleotide variant.
Coding change: c.605A>G on transcript NM_001386795.1 (MANE Select); coding-DNA position 605, A replaced by G.
Protein change: p.Lys202Arg; replaces lysine 202 with arginine.
Molecular consequence: missense variant. On other transcripts: intron variant (1).
Genome position (GRCh38, 1-based): chr18:34,815,910, A>G. VCF-style: chr18-34815910-A-G. GRCh37 (hg19) VCF-style: chr18-32395874-A-G.
Other names: c.605A>G, p.Lys202Arg (NM_001386765.1, NM_001386766.1, NM_001386767.1 and 34 more transcripts); c.603+3797A>G (NM_001198945.2); short protein forms K202R.
Identifiers: ClinVar variation 2037092 (VCV002037092.4), dbSNP rs1568620293, ClinGen allele CA402167801.
Genomic context (GRCh38, chr18:34,815,910, plus strand): 5'-ATAGCAGGTAAATTGAGATGATTCTCTGTCCTAAATTTATGGGGGGTTTTTTTATGCAGA[A>G]AAAAGTCACGTTAAATGGTTTCTTGGACACGCTTATGTCAGATCCTCCCCCGCAGTGTCT-3'
Protein context (NP_001373724.1, residues 192-212): QSARSCFSQQ[Lys202Arg]KVTLNGFLDT